The following is an entry in ClinVar:

ClinVar aggregate classification (germline): Pathogenic (1 of 4 stars; one submission).

Conditions:
Hermansky-Pudlak syndrome 9 (HPS9). Identifiers: Orphanet 280663, Orphanet 79430, MedGen C3280026, MONDO:0013606, OMIM 614171.

Submission:

Labcorp Genetics (formerly Invitae), Labcorp
Classification: Pathogenic for Hermansky-Pudlak syndrome 9. Last evaluated: 2023-07-17. Review status: criteria provided, single submitter. Criteria: Invitae Variant Classification Sherloc (09022015). Collection method: clinical testing. Allele origin: germline.
Comment: For these reasons, this variant has been classified as Pathogenic. Algorithms developed to predict the effect of sequence changes on RNA splicing suggest that this variant may create or strengthen a splice site. This variant has not been reported in the literature in individuals affected with BLOC1S6-related conditions. This variant is not present in population databases (gnomAD no frequency). This sequence change creates a premature translational stop signal (p.Ala53Glnfs*30) in the BLOC1S6 gene. It is expected to result in an absent or disrupted protein product. Loss-of-function variants in BLOC1S6 are known to be pathogenic (PMID: 10610180, 21665000, 22461475).

Literature cited by the submitters: PubMed 10610180; PubMed 21665000; PubMed 22461475.

NM_012388.4(BLOC1S6):c.157del (p.Ala53fs)

Gene: BLOC1S6 (biogenesis of lysosomal organelles complex 1 subunit 6; plus strand). Cytogenetic location: 15q21.1.
Variant type: Deletion.
Coding change: c.157del on transcript NM_012388.4 (MANE Select); coding-DNA position 157, one base deleted (G; older notation c.157delG).
Protein change: p.Ala53fs; shifts the reading frame from alanine 53.
Molecular consequence: frameshift variant. On other transcripts: non-coding transcript variant (5).
Genome position (GRCh38, 1-based): chr15:45,592,209, G deleted; the last of 2 consecutive G bases (chr15:45,592,208-45,592,209); deleting either gives the same sequence. VCF-style (leftmost placement, unchanged base first): chr15-45592207-TG-T. GRCh37 (hg19) VCF-style: chr15-45884405-TG-T.
Other names: c.172del, p.Ala58fs (NM_001311255.1, NM_001311256.1); short protein forms A58fs, A53fs.
Identifiers: ClinVar variation 2744373 (VCV002744373.2), dbSNP rs2542271252, ClinGen allele CA2697549032.
Genomic context (GRCh38, chr15:45,592,207, plus strand): 5'-CTTCTCCAGATGAAGGGTTAATAGAGGACTTGACTATAGAAGACAAAGCAGTGGAGCAAC[TG>T]GCAGAAGGATTGCTTTCTCATTATTTGCCAGATCTGCAGAGATCAAAACAAGCCCTCCAG-3'